The following is an entry in ClinVar:

NM_007129.5(ZIC2):c.444C>G (p.His148Gln)

Gene: ZIC2 (Zic family zinc finger 2; plus strand). Cytogenetic location: 13q32.3.
Variant type: single nucleotide variant.
Coding change: c.444C>G on transcript NM_007129.5 (MANE Select); coding-DNA position 444, C replaced by G.
Protein change: p.His148Gln; replaces histidine 148 with glutamine.
Molecular consequence: missense variant.
Genome position (GRCh38, 1-based): chr13:99,982,508, C>G. VCF-style: chr13-99982508-C-G. GRCh37 (hg19) VCF-style: chr13-100634762-C-G.
Other names: short protein forms H148Q.
Identifiers: ClinVar variation 5017246 (VCV005017246.1).

ClinVar aggregate classification (germline): Uncertain significance (1 of 4 stars; one submission).

Submission:

GeneDx
Classification: Uncertain significance. Last evaluated: 2026-03-23. Review status: criteria provided, single submitter. Criteria: GeneDx Variant Classification Process June 2021. Collection method: clinical testing. Allele origin: germline.
Comment: Not observed at significant frequency in large population cohorts (gnomAD); In silico analysis supports that this missense variant has a deleterious effect on protein structure/function; Has not been previously published as pathogenic or benign to our knowledge